The following is an entry in ClinVar:

ClinVar aggregate classification (germline): Benign. Review status: criteria provided, multiple submitters, no conflicts (2 of 4 stars). 2 submissions from 2 submitters: Benign (2). Last evaluated 2018-01-12.

Conditions:
Progressive familial intrahepatic cholestasis type 1. Also called: BYLER DISEASE; Byler's disease; Severe ATP8B1 Deficiency (Progressive Familial Intrahepatic Cholestasis Type 1 [PFIC1]). Identifiers: Orphanet 79306, MedGen C4551898, MONDO:0008892, OMIM 211600.

Allele frequency attached by ClinVar (database versions not stated): 1000 Genomes Project 0.14716; 1000 Genomes Project 30x 0.14928; TOPMed 0.19047; gnomAD 0.20544 and 0.20604; gnomAD exomes 0.32311.
gnomAD v4.1: 31,334 of 152,620 alleles (21%); highest among the groups gnomAD compares: Middle Eastern, 28%; 3,915 homozygotes.

Submissions (2):

Illumina Laboratory Services, Illumina
Classification: Benign for Progressive familial intrahepatic cholestasis type 1. Last evaluated: 2018-01-12. Review status: criteria provided, single submitter. Criteria: ICSL Variant Classification Criteria 13 December 2019. Collection method: clinical testing. Allele origin: germline.
Comment: This variant was observed in the ICSL laboratory as part of a predisposition screen in an ostensibly healthy population. It had not been previously curated by ICSL or reported in the Human Gene Mutation Database (HGMD: prior to June 1st, 2018), and was therefore a candidate for classification through an automated scoring system. Utilizing variant allele frequency, disease prevalence and penetrance estimates, and inheritance mode, an automated score was calculated to assess if this variant is too frequent to cause the disease. Based on the score and internal cut-off values, a variant classified as benign is not then subjected to further curation. The score for this variant resulted in a classification of benign for this disease.

Breakthrough Genomics
Classification: Benign. Review status: criteria provided, single submitter. Criteria: ACMG Guidelines, 2015. Collection method: not provided. Allele origin: germline. Inheritance: Autosomal recessive inheritance. Affected: yes.

NM_001374385.1(ATP8B1):c.*1937T>A

Genes: ATP8B1-AS1 (ATP8B1 antisense RNA 1; plus strand), ATP8B1 (ATPase phospholipid transporting 8B1; minus strand). Cytogenetic location: 18q21.31.
Variant type: single nucleotide variant.
Coding change: c.*1937T>A on transcript NM_001374385.1 (MANE Select); 1937 bases downstream of the stop codon, T replaced by A.
Molecular consequence: 3 prime UTR variant.
Genome position (GRCh38, 1-based): chr18:57,646,551, A>T on the plus strand (T>A on the coding strand, the complement: ATP8B1 is on the minus strand). VCF-style: chr18-57646551-A-T. GRCh37 (hg19) VCF-style: chr18-55313783-A-T.
Other names: c.*1937T>A (NM_001374386.1, NM_005603.6).
Identifiers: ClinVar variation 327440 (VCV000327440.6), dbSNP rs1129621, ClinGen allele CA10651129.
Genomic context (GRCh38, chr18:57,646,551, plus strand): 5'-ACATTAAATCTCAGATTTACAGAATATAGAAATAATTTATCCAAAGAAATTTGCATTTAA[A>T]ATTGTTAATATTGCACCCAACAGTATGTCTTTGACACATTTGCATTGTCAATCTTTCCCA-3'